The following is an entry in ClinVar:

Single allele

Genes: ARRDC1 (arrestin domain containing 1; plus strand), CACNA1B (calcium voltage-gated channel subunit alpha1 B; plus strand), DPH7 (diphthamide biosynthesis 7; minus strand), EHMT1 (euchromatic histone lysine methyltransferase 1; plus strand), MRPL41 (mitochondrial ribosomal protein L41; plus strand) and 3 more. Cytogenetic location: 9q34.3.
Variant type: Deletion.
Identifiers: ClinVar variation 2671589 (VCV002671589.1).

ClinVar aggregate classification (germline): Pathogenic (1 of 4 stars; one submission).

Submission:

Illumina Laboratory Services, Illumina
Classification: Pathogenic. Last evaluated: 2023-08-29. Review status: criteria provided, single submitter. Criteria: ICSL CNVClassificationCriteria Aug2020. Collection method: clinical testing. Allele origin: unknown.
Comment: This CNV is a 679 kb deletion of 9q34.3, on chromosome 9, (seq[GRCh37]del(9)(q34.3);NC_000009.11:g.140395736_141075109del) that occurred de novo. The CNV encompasses the following protein coding genes: ARRDC1, CACNA1B, DPH7, EHMT1, MRPL41, PNPLA7 and ZMYND19, with a proximal break point disrupting the PNPLA7 gene. Heterozygous deletions of chromosome 9 at 9q34.3 that include at least part, or all of the EHMT1 gene are associated with Kleefstra syndrome (PMID: 20945554). This CNV has not been reported in controls. Based on the available evidence, this CNV is classified as pathogenic.